The following is an entry in ClinVar:

ClinVar aggregate classification (germline): Benign (1 of 4 stars; one submission).

Conditions:
Hereditary spastic paraplegia 15 (SPG15). Also called: SPASTIC PARAPLEGIA 15, AUTOSOMAL RECESSIVE; KJELLIN SYNDROME; SPASTIC PARAPLEGIA AND RETINAL DEGENERATION. Identifiers: Orphanet 100996, MedGen C1849128, MONDO:0010044, OMIM 270700.

Allele frequency attached by ClinVar (database versions not stated): gnomAD 0.01150 and 0.01228; TOPMed 0.01321; 1000 Genomes Project 0.01777; 1000 Genomes Project 30x 0.01936.

Submission:

Illumina Laboratory Services, Illumina
Classification: Benign for Hereditary spastic paraplegia 15. Last evaluated: 2018-01-13. Review status: criteria provided, single submitter. Criteria: ICSL Variant Classification Criteria 13 December 2019. Collection method: clinical testing. Allele origin: germline.
Comment: This variant was observed in the ICSL laboratory as part of a predisposition screen in an ostensibly healthy population. It had not been previously curated by ICSL or reported in the Human Gene Mutation Database (HGMD: prior to June 1st, 2018), and was therefore a candidate for classification through an automated scoring system. Utilizing variant allele frequency, disease prevalence and penetrance estimates, and inheritance mode, an automated score was calculated to assess if this variant is too frequent to cause the disease. Based on the score and internal cut-off values, a variant classified as benign is not then subjected to further curation. The score for this variant resulted in a classification of benign for this disease.

NM_015346.4(ZFYVE26):c.*1768C>T

Gene: ZFYVE26 (zinc finger FYVE-type containing 26; minus strand). Cytogenetic location: 14q24.1.
Variant type: single nucleotide variant.
Coding change: c.*1768C>T on transcript NM_015346.4 (MANE Select); 1768 bases downstream of the stop codon, C replaced by T.
Molecular consequence: 3 prime UTR variant.
Genome position (GRCh38, 1-based): chr14:67,746,668, G>A on the plus strand (C>T on the coding strand, the complement: ZFYVE26 is on the minus strand). VCF-style: chr14-67746668-G-A. GRCh37 (hg19) VCF-style: chr14-68213385-G-A.
Identifiers: ClinVar variation 313849 (VCV000313849.5), dbSNP rs57048278, ClinGen allele CA10635117.
Genomic context (GRCh38, chr14:67,746,668, plus strand): 5'-GTTGGAGACTACAGCGTGGTGTTCAAAGGCTTTTAGCCTCATCTCATATCAGTCTAGTCA[G>A]TGGTTGCCTATAATTTGATAGTTCAATGAGTTAGAGGAAAATGTCAGGAAAATCTGGTCT-3'